The following is an entry in ClinVar:

NM_022828.5(YTHDC2):c.3335A>G (p.His1112Arg)

Gene: YTHDC2 (YTH N6-methyladenosine RNA binding protein C2; plus strand). Cytogenetic location: 5q22.2.
Variant type: single nucleotide variant.
Coding change: c.3335A>G on transcript NM_022828.5 (MANE Select); coding-DNA position 3335, A replaced by G.
Protein change: p.His1112Arg; replaces histidine 1112 with arginine.
Molecular consequence: missense variant.
Genome position (GRCh38, 1-based): chr5:113,579,676, A>G. VCF-style: chr5-113579676-A-G. GRCh37 (hg19) VCF-style: chr5-112915373-A-G.
Other names: c.2849A>G, p.His950Arg (NM_001345975.2); c.2435A>G, p.His812Arg (NM_001345976.2); c.3335A>G (NM_022828.3); short protein forms H1112R, H812R, H950R.
Identifiers: ClinVar variation 3053489 (VCV003053489.3), dbSNP rs149368895, ClinGen allele CA3372425.

ClinVar aggregate classification (germline): Uncertain significance. Review status: criteria provided, single submitter (1 of 4 stars). 2 submissions from 2 submitters: Uncertain significance (1). 1 of the submissions does not count toward it. Last evaluated 2025-08-22.

Conditions:
YTHDC2-related disorder. Also called: YTHDC2-related condition.

Allele frequency attached by ClinVar (database versions not stated): gnomAD exomes 0.00011; ExAC 0.00045; 1000 Genomes Project 30x 0.00047; 1000 Genomes Project 0.00060; gnomAD 0.00121; TOPMed 0.00136; ESP Exome Variant Server 0.00146.

Submissions (2):

Ambry Genetics
Classification: Uncertain significance. Last evaluated: 2025-08-22. Review status: criteria provided, single submitter. Criteria: Ambry Variant Classification Scheme 2023. Collection method: clinical testing. Allele origin: germline.

PreventionGenetics, part of Exact Sciences
Classification: Likely benign for YTHDC2-related condition. Last evaluated: 2022-04-28. Review status: no assertion criteria provided. Collection method: clinical testing. Allele origin: germline. Not counted in ClinVar's aggregate classification.
Comment: This variant is classified as likely benign based on ACMG/AMP sequence variant interpretation guidelines (Richards et al. 2015 PMID: 25741868, with internal and published modifications).